The following is an entry in ClinVar:

ClinVar aggregate classification (germline): Likely pathogenic. Review status: criteria provided, multiple submitters, no conflicts (2 of 4 stars). 4 submissions from 4 submitters: Likely pathogenic (4). Last evaluated 2025-01-14.

Conditions:
3-methylcrotonyl-CoA carboxylase 1 deficiency (MCC1D). Also called: MCCD TYPE 1; METHYLCROTONYLGLYCINURIA TYPE I; MCC 1 deficiency; 3 Alpha methylcrotonylglycinuria 1. Identifiers: Orphanet 6, MedGen CN028786, MONDO:0008861, OMIM 210200.

Allele frequency attached by ClinVar (database versions not stated): gnomAD exomes below 0.00001; TOPMed below 0.00001; gnomAD 0.00001.
gnomAD v4.1: 7 of 1,613,872 alleles (0.00043%); highest among the groups gnomAD compares: Middle Eastern, 0.016%; no homozygotes.

Submissions (4):

First Genomix Gene Laboratory, Genetic Diagnostics Department
Classification: Likely pathogenic for 3-methylcrotonyl-CoA carboxylase 1 deficiency. Last evaluated: 2025-01-14. Review status: criteria provided, single submitter. Criteria: ACMG Guidelines, 2015. Collection method: clinical testing. Allele origin: germline. Inheritance: Autosomal recessive inheritance. Affected: no. Observed: 1 variant allele.

Baylor Genetics
Classification: Likely pathogenic for 3-methylcrotonyl-CoA carboxylase 1 deficiency. Last evaluated: 2024-01-17. Review status: criteria provided, single submitter. Criteria: ACMG Guidelines, 2015. Collection method: clinical testing. Allele origin: unknown.

Labcorp Genetics (formerly Invitae), Labcorp
Classification: Likely pathogenic for 3-methylcrotonyl-CoA carboxylase 1 deficiency. Last evaluated: 2023-11-14. Review status: criteria provided, single submitter. Criteria: Invitae Variant Classification Sherloc (09022015). Collection method: clinical testing. Allele origin: germline.
Comment: This sequence change affects a donor splice site in intron 16 of the MCCC1 gene. It is expected to disrupt RNA splicing. Variants that disrupt the donor or acceptor splice site typically lead to a loss of protein function (PMID: 16199547), and loss-of-function variants in MCCC1 are known to be pathogenic (PMID: 11181649, 15359379, 22642865). This variant is not present in population databases (gnomAD no frequency). This variant has not been reported in the literature in individuals affected with MCCC1-related conditions. Algorithms developed to predict the effect of sequence changes on RNA splicing suggest that this variant may disrupt the consensus splice site. In summary, the currently available evidence indicates that the variant is pathogenic, but additional data are needed to prove that conclusively. Therefore, this variant has been classified as Likely Pathogenic.

Kariminejad - Najmabadi Pathology & Genetics Center
Classification: Likely pathogenic for 3-methylcrotonyl-CoA carboxylase 1 deficiency. Review status: criteria provided, single submitter. Criteria: ACMG Guidelines, 2015. Collection method: clinical testing. Allele origin: germline. Affected: no.

Literature cited by the submitters: PubMed 16199547 (cited by Labcorp Genetics (formerly Invitae), Labcorp); PubMed 11181649 (cited by Labcorp Genetics (formerly Invitae), Labcorp); PubMed 15359379 (cited by Labcorp Genetics (formerly Invitae), Labcorp); PubMed 22642865 (cited by Labcorp Genetics (formerly Invitae), Labcorp).

NM_020166.5(MCCC1):c.1869+1G>A

Gene: MCCC1 (methylcrotonyl-CoA carboxylase subunit 1; minus strand). Cytogenetic location: 3q27.1.
Variant type: single nucleotide variant.
Coding change: c.1869+1G>A on transcript NM_020166.5 (MANE Select); the canonical splice donor site of the intron after coding-DNA position 1869, G replaced by A.
Molecular consequence: splice donor variant.
Genome position (GRCh38, 1-based): chr3:183,022,416, C>T on the plus strand (G>A on the coding strand, the complement: MCCC1 is on the minus strand). VCF-style: chr3-183022416-C-T. GRCh37 (hg19) VCF-style: chr3-182740204-C-T.
Other names: c.1542+1G>A (NM_001363880.1); c.1518+1G>A (NM_001293273.2).
Identifiers: ClinVar variation 2676457 (VCV002676457.7), dbSNP rs990505166, ClinGen allele CA88691256.